The following is an entry in ClinVar:

NM_018389.5(SLC35C1):c.19A>G (p.Lys7Glu)

Gene: SLC35C1 (solute carrier family 35 member C1; plus strand). Cytogenetic location: 11p11.2.
Variant type: single nucleotide variant.
Coding change: c.19A>G on transcript NM_018389.5 (MANE Select); coding-DNA position 19, A replaced by G.
Protein change: p.Lys7Glu; replaces lysine 7 with glutamic acid.
Molecular consequence: missense variant. On other transcripts: 5 prime UTR variant (1).
Genome position (GRCh38, 1-based): chr11:45,805,820, A>G. VCF-style: chr11-45805820-A-G. GRCh37 (hg19) VCF-style: chr11-45827371-A-G.
Other names: c.-21A>G (NM_001145265.2, NM_001145266.2); short protein forms K7E.
Identifiers: ClinVar variation 846744 (VCV000846744.7), dbSNP rs771361211, ClinGen allele CA5958167.

ClinVar aggregate classification (germline): Uncertain significance. Review status: criteria provided, multiple submitters, no conflicts (2 of 4 stars). 2 submissions from 2 submitters: Uncertain significance (2). Last evaluated 2025-08-26.

Conditions:
Inborn genetic diseases. Identifiers: MedGen C0950123, MeSH D030342.
Leukocyte adhesion deficiency type II. Also called: CONGENITAL DISORDER OF GLYCOSYLATION, TYPE IIc; Congenital disorder of glycosylation type 2C; CDG 2C; Leukocyte adhesion deficiency type 2; Rambam Hasharon syndrome; CDG IIc. Identifiers: Orphanet 2968, Orphanet 99843, MedGen C0398739, MONDO:0009953, OMIM 266265.

Allele frequency attached by ClinVar (database versions not stated): gnomAD exomes 0.00001 and 0.00002; ExAC 0.00002; TOPMed 0.00004; gnomAD 0.00007.
gnomAD v4.1: 22 of 1,613,664 alleles (0.0014%); highest among the groups gnomAD compares: African/African-American, 0.004%; no homozygotes.

Submissions (2):

Ambry Genetics
Classification: Uncertain significance for Inborn genetic diseases. Last evaluated: 2025-08-26. Review status: criteria provided, single submitter. Criteria: Ambry Variant Classification Scheme 2023. Collection method: clinical testing. Allele origin: germline.

Labcorp Genetics (formerly Invitae), Labcorp
Classification: Uncertain significance for Leukocyte adhesion deficiency type II. Last evaluated: 2022-06-07. Review status: criteria provided, single submitter. Criteria: Invitae Variant Classification Sherloc (09022015). Collection method: clinical testing. Allele origin: germline.
Comment: This sequence change replaces lysine, which is basic and polar, with glutamic acid, which is acidic and polar, at codon 7 of the SLC35C1 protein (p.Lys7Glu). This variant is present in population databases (rs771361211, gnomAD 0.02%). This variant has not been reported in the literature in individuals affected with SLC35C1-related conditions. ClinVar contains an entry for this variant (Variation ID: 846744). Algorithms developed to predict the effect of missense changes on protein structure and function are either unavailable or do not agree on the potential impact of this missense change (SIFT: "Tolerated"; PolyPhen-2: "Possibly Damaging"; Align-GVGD: "Class C0"). In summary, the available evidence is currently insufficient to determine the role of this variant in disease. Therefore, it has been classified as a Variant of Uncertain Significance.